The following is an entry in ClinVar:

NM_020937.4(FANCM):c.3442A>G (p.Ser1148Gly)

Gene: FANCM (FA complementation group M; plus strand). Cytogenetic location: 14q21.2.
Variant type: single nucleotide variant.
Coding change: c.3442A>G on transcript NM_020937.4 (MANE Select); coding-DNA position 3442, A replaced by G.
Protein change: p.Ser1148Gly; replaces serine 1148 with glycine.
Molecular consequence: missense variant.
Genome position (GRCh38, 1-based): chr14:45,176,196, A>G. VCF-style: chr14-45176196-A-G. GRCh37 (hg19) VCF-style: chr14-45645399-A-G.
Other names: c.3364A>G, p.Ser1122Gly (NM_001308133.2); short protein forms S1122G, S1148G.
Identifiers: ClinVar variation 934636 (VCV000934636.9), dbSNP rs1888681289, ClinGen allele CA389601570.

ClinVar aggregate classification (germline): Uncertain significance (1 of 4 stars; one submission).

Conditions:
Fanconi anemia (FA). Also called: Fanconi's anemia. Identifiers: Orphanet 84, MedGen C0015625, MeSH D005199, MONDO:0019391.

Submission:

Labcorp Genetics (formerly Invitae), Labcorp
Classification: Uncertain significance for Fanconi anemia. Last evaluated: 2019-06-27. Review status: criteria provided, single submitter. Criteria: Invitae Variant Classification Sherloc (09022015). Collection method: clinical testing. Allele origin: germline.
Comment: In summary, the available evidence is currently insufficient to determine the role of this variant in disease. Therefore, it has been classified as a Variant of Uncertain Significance. Algorithms developed to predict the effect of missense changes on protein structure and function output the following: SIFT: "Tolerated"; PolyPhen-2: "Benign"; Align-GVGD: "Class C0". The glycine amino acid residue is found in multiple mammalian species, suggesting that this missense change does not adversely affect protein function. These predictions have not been confirmed by published functional studies and their clinical significance is uncertain. This variant has not been reported in the literature in individuals with FANCM-related conditions. This variant is not present in population databases (ExAC no frequency). This sequence change replaces serine with glycine at codon 1148 of the FANCM protein (p.Ser1148Gly). The serine residue is weakly conserved and there is a small physicochemical difference between serine and glycine.